The following is an entry in ClinVar:

ClinVar aggregate classification (germline): Uncertain significance (1 of 4 stars; one submission).

Conditions:
Autosomal dominant Parkinson disease 8. Also called: LRRK2-Related Parkinson Disease; Parkinson disease 8; Parkinson disease 8, susceptibility to. Identifiers: Orphanet 411602, MedGen C1846862, MONDO:0011764, OMIM 607060.

gnomAD v4.1: 1 of 1,603,648 alleles (0.000062%); highest among the groups gnomAD compares: Non-Finnish European, 0.000085%; no homozygotes.

Submission:

Labcorp Genetics (formerly Invitae), Labcorp
Classification: Uncertain significance for Autosomal dominant Parkinson disease 8. Last evaluated: 2023-04-10. Review status: criteria provided, single submitter. Criteria: Invitae Variant Classification Sherloc (09022015). Collection method: clinical testing. Allele origin: germline.
Comment: This sequence change affects codon 2394 of the LRRK2 mRNA. It is a 'silent' change, meaning that it does not change the encoded amino acid sequence of the LRRK2 protein. It affects a nucleotide within the consensus splice site. This variant is not present in population databases (gnomAD no frequency). This variant has not been reported in the literature in individuals affected with LRRK2-related conditions. Algorithms developed to predict the effect of sequence changes on RNA splicing suggest that this variant is not likely to affect RNA splicing. In summary, the available evidence is currently insufficient to determine the role of this variant in disease. Therefore, it has been classified as a Variant of Uncertain Significance.

NM_198578.4(LRRK2):c.7182G>A (p.Arg2394=)

Gene: LRRK2 (leucine rich repeat kinase 2; plus strand). Cytogenetic location: 12q12.
Variant type: single nucleotide variant.
Coding change: c.7182G>A on transcript NM_198578.4 (MANE Select); coding-DNA position 7182, G replaced by A.
Protein change: p.Arg2394=; no amino-acid change (arginine 2394 retained).
Molecular consequence: synonymous variant.
Genome position (GRCh38, 1-based): chr12:40,364,842, G>A. VCF-style: chr12-40364842-G-A. GRCh37 (hg19) VCF-style: chr12-40758644-G-A.
Identifiers: ClinVar variation 2851349 (VCV002851349.3), dbSNP rs200495404, ClinGen allele CA479248472.
Genomic context (GRCh38, chr12:40,364,842, plus strand): 5'-TAAATAGCATTTATCTCTTAATTGGTGGTAAAATTATTAATGTATACTTTATGGTTCTAG[G>A]GAGGTAATGGTAAAAGAAAACAAGGAATCAAAACACAAAATGTCTTATTCTGGGAGAGTG-3'
Protein context (NP_940980.4, residues 2384-2404): CGLIDCVHFL[Arg2394=]EVMVKENKES